The following is an entry in ClinVar:

ClinVar aggregate classification (germline): Benign. Review status: criteria provided, multiple submitters, no conflicts (2 of 4 stars). 2 submissions from 2 submitters: Benign (2). Last evaluated 2013-11-19.

Allele frequency attached by ClinVar (database versions not stated): TOPMed 0.02049; gnomAD 0.02154 and 0.02101; gnomAD exomes 0.02550 and 0.03024; ExAC 0.02644; 1000 Genomes Project 0.01518; 1000 Genomes Project 30x 0.01483.
gnomAD v4.1: 47,535 of 1,611,546 alleles (2.9%); highest among the groups gnomAD compares: South Asian, 3.6%; 817 homozygotes.

Submissions (2):

GeneDx
Classification: Benign. Last evaluated: 2013-11-19. Review status: criteria provided, single submitter. Criteria: GeneDx Variant Classification (06012015). Collection method: clinical testing. Allele origin: germline. Affected: yes.
Comment: This variant is considered likely benign or benign based on one or more of the following criteria: it is a conservative change, it occurs at a poorly conserved position in the protein, it is predicted to be benign by multiple in silico algorithms, and/or has population frequency not consistent with disease.

Breakthrough Genomics
Classification: Benign. Review status: criteria provided, single submitter. Criteria: ACMG Guidelines, 2015. Collection method: not provided. Allele origin: germline. Inheritance: Unknown mechanism. Affected: yes.

NM_144736.5(NDUFAF7):c.-36G>C

Genes: NDUFAF7 (NADH:ubiquinone oxidoreductase complex assembly factor 7; plus strand), LOC126806192 (CDK7 strongly-dependent group 2 enhancer GRCh37_chr2:37458084-37459283; plus strand). Cytogenetic location: 2p22.2.
Variant type: single nucleotide variant.
Coding change: c.-36G>C on transcript NM_144736.5 (MANE Select); 36 bases upstream of the start codon, G replaced by C.
Molecular consequence: 5 prime UTR variant. On other transcripts: non-coding transcript variant (10).
Genome position (GRCh38, 1-based): chr2:37,231,670, G>C. VCF-style: chr2-37231670-G-C. GRCh37 (hg19) VCF-style: chr2-37458813-G-C.
Other names: c.-36G>C (NM_001083946.2, NM_001350024.2, NM_001350025.2 and 1 more transcripts).
Identifiers: ClinVar variation 138466 (VCV000138466.2), dbSNP rs535864421, ClinGen allele CA292469.